The following is an entry in ClinVar:

ClinVar aggregate classification (germline): Uncertain significance (1 of 4 stars; one submission).

Conditions:
MAGEL2-related disorder. Also called: MAGEL2-related condition.

Submission:

PreventionGenetics, part of Exact Sciences
Classification: Uncertain significance for MAGEL2-related condition. Last evaluated: 2024-10-31. Review status: criteria provided, single submitter. Criteria: ACMG Guidelines, 2015. Collection method: clinical testing. Allele origin: germline.
Comment: The MAGEL2 c.561_590del30 variant is predicted to result in an in-frame deletion (p.His221_Ala230del). To our knowledge, this variant has not been reported in the literature or in a large population database (gnomAD), indicating this variant is rare. Although we suspect that this variant may be benign, at this time, the clinical significance of this variant is uncertain due to the absence of conclusive functional and genetic evidence.

NM_019066.5(MAGEL2):c.561_590del (p.181HPPPPGTPMA[4])

Gene: MAGEL2 (MAGE family member L2; minus strand). Cytogenetic location: 15q11.2.
Variant type: Deletion.
Coding change: c.561_590del on transcript NM_019066.5 (MANE Select); coding-DNA positions 561 to 590, 30 bases deleted (CCCGATGGCTCATCCTCCCCCTCCGGGGAC).
Protein change: p.181HPPPPGTPMA[4].
Molecular consequence: inframe deletion.
Genome position (GRCh38, 1-based): chr15:23,647,153-23,647,182, GTCCCCGGAGGGGGAGGATGAGCCATCGGG deleted on the plus strand (CCCGATGGCTCATCCTCCCCCTCCGGGGAC on the coding strand, the reverse complement: MAGEL2 is on the minus strand); deleting any 30 consecutive bases within chr15:23,647,153-23,647,193 gives the same sequence; the c. name uses the placement nearest the transcript's 3' end. VCF-style (leftmost placement, unchanged base first): chr15-23647152-TGTCCCCGGAGGGGGAGGATGAGCCATCGGG-T. GRCh37 (hg19) VCF-style: chr15-23892299-TGTCCCCGGAGGGGGAGGATGAGCCATCGGG-T.
Identifiers: ClinVar variation 5001846 (VCV005001846.1).